The following is an entry in ClinVar:

ClinVar aggregate classification (germline): Likely pathogenic (1 of 4 stars; one submission).

Conditions:
DICER1-related tumor predisposition. Also called: DICER1-related pleuropulmonary blastoma cancer predisposition syndrome; DICER1 syndrome. Identifiers: Orphanet 284343, MedGen C3839822, MONDO:0100216.

Submission:

Institute for Genomic Medicine (IGM) Clinical Laboratory, Nationwide Children's Hospital
Classification: Likely pathogenic for DICER1-related tumor predisposition. Last evaluated: 2024-09-11. Review status: criteria provided, single submitter. Criteria: ACMG Guidelines, 2015. Collection method: clinical testing. Allele origin: germline.
Comment: This variant is predicted to result in loss of function through nonsense-mediated decay of the encoded transcript or premature truncation of the encoded protein in a gene in which loss of function is a known mechanism of disease (ACMG/AMP: PVS1; PMIDs:21266384, 26925222, 27241106, 29037807, 31342592). This variant is absent from or present at an exceedingly low frequency in gnomAD, a large-scale control population database (ACMG/AMP: PM2).

Literature cited by the submitters: PubMed 21266384; PubMed 26925222; PubMed 27241106; PubMed 29037807; PubMed 31342592.

NM_177438.3(DICER1):c.3039_3041delinsA (p.Leu1014fs)

Gene: DICER1 (dicer 1, ribonuclease III; minus strand). Cytogenetic location: 14q32.13.
Variant type: Indel.
Coding change: c.3039_3041delinsA on transcript NM_177438.3 (MANE Select); coding-DNA positions 3039 to 3041, TTT replaced by A.
Protein change: p.Leu1014fs; shifts the reading frame from leucine 1014.
Molecular consequence: frameshift variant. On other transcripts: non-coding transcript variant (6).
Genome position (GRCh38, 1-based): chr14:95,105,730-95,105,732, AAA replaced by T on the plus strand (TTT replaced by A on the coding strand, the reverse complement: DICER1 is on the minus strand). VCF-style: chr14-95105730-AAA-T. GRCh37 (hg19) VCF-style: chr14-95572067-AAA-T.
Other names: c.3039_3041delinsA, p.Leu1014fs (NM_001195573.1, NM_001271282.3, NM_001291628.2 and 12 more transcripts); c.2757_2759delinsA, p.Leu920fs (NM_001395686.1); c.2634_2636delinsA, p.Leu879fs (NM_001395687.1, NM_001395688.1, NM_001395689.1 and 2 more transcripts); c.2472_2474delinsA, p.Leu825fs (NM_001395691.1); c.1356_1358delinsA, p.Leu453fs (NM_001395697.1); short protein forms L1014fs, L453fs, L825fs, L879fs, L920fs.
Identifiers: ClinVar variation 4759277 (VCV004759277.1).